The following is an entry in ClinVar:

NM_004341.5(CAD):c.382T>G (p.Leu128Val)

Gene: CAD (carbamoyl-phosphate synthetase 2, aspartate transcarbamylase, and dihydroorotase; plus strand). Cytogenetic location: 2p23.3.
Variant type: single nucleotide variant.
Coding change: c.382T>G on transcript NM_004341.5 (MANE Select); coding-DNA position 382, T replaced by G.
Protein change: p.Leu128Val; replaces leucine 128 with valine.
Molecular consequence: missense variant.
Genome position (GRCh38, 1-based): chr2:27,222,223, T>G. VCF-style: chr2-27222223-T-G. GRCh37 (hg19) VCF-style: chr2-27445091-T-G.
Other names: c.382T>G, p.Leu128Val (NM_001306079.2); c.382T>G (NM_004341.3); short protein forms L128V.
Identifiers: ClinVar variation 1400736 (VCV001400736.7), dbSNP rs145371458, ClinGen allele CA1572405.

ClinVar aggregate classification (germline): Uncertain significance. Review status: criteria provided, multiple submitters, no conflicts (2 of 4 stars). 2 submissions from 2 submitters: Uncertain significance (2). Last evaluated 2025-01-09.

Conditions:
Inborn genetic diseases. Identifiers: MedGen C0950123, MeSH D030342.

Allele frequency attached by ClinVar (database versions not stated): ExAC 0.00001; gnomAD 0.00002; TOPMed 0.00002; gnomAD exomes 0.00004 and 0.00007; ESP Exome Variant Server 0.00008.
gnomAD v4.1: 103 of 1,613,848 alleles (0.0064%); highest among the groups gnomAD compares: Non-Finnish European, 0.0085%; no homozygotes.

Submissions (2):

Ambry Genetics
Classification: Uncertain significance for Inborn genetic diseases. Last evaluated: 2025-01-09. Review status: criteria provided, single submitter. Criteria: Ambry Variant Classification Scheme 2023. Collection method: clinical testing. Allele origin: germline.

Labcorp Genetics (formerly Invitae), Labcorp
Classification: Uncertain significance. Last evaluated: 2022-08-23. Review status: criteria provided, single submitter. Criteria: Invitae Variant Classification Sherloc (09022015). Collection method: clinical testing. Allele origin: germline.
Comment: This sequence change replaces leucine, which is neutral and non-polar, with valine, which is neutral and non-polar, at codon 128 of the CAD protein (p.Leu128Val). This variant is present in population databases (rs145371458, gnomAD 0.01%). This variant has not been reported in the literature in individuals affected with CAD-related conditions. ClinVar contains an entry for this variant (Variation ID: 1400736). Algorithms developed to predict the effect of missense changes on protein structure and function (SIFT, PolyPhen-2, Align-GVGD) all suggest that this variant is likely to be tolerated. Algorithms developed to predict the effect of sequence changes on RNA splicing suggest that this variant may create or strengthen a splice site. In summary, the available evidence is currently insufficient to determine the role of this variant in disease. Therefore, it has been classified as a Variant of Uncertain Significance.